The following is an entry in ClinVar:

NM_000083.3(CLCN1):c.1796+1G>A

Gene: CLCN1 (chloride voltage-gated channel 1; plus strand). Cytogenetic location: 7q34.
Variant type: single nucleotide variant.
Coding change: c.1796+1G>A on transcript NM_000083.3 (MANE Select); the canonical splice donor site of the intron after coding-DNA position 1796, G replaced by A.
Molecular consequence: splice donor variant.
Genome position (GRCh38, 1-based): chr7:143,342,143, G>A. VCF-style: chr7-143342143-G-A. GRCh37 (hg19) VCF-style: chr7-143039236-G-A.
Identifiers: ClinVar variation 2927588 (VCV002927588.2), dbSNP rs1192056840, ClinGen allele CA369646843.

ClinVar aggregate classification (germline): Likely pathogenic (1 of 4 stars; one submission).

Conditions:
Congenital myotonia, autosomal dominant form (THD). Also called: THOMSEN DISEASE; Myotonia congenita autosomal dominant. Identifiers: Orphanet 614, MedGen C2936781, MONDO:0008055, OMIM 160800.
Congenital myotonia, autosomal recessive form. Also called: BECKER DISEASE; Becker Generalized Myotonia; myotonia congenita, autosomal recessive. Identifiers: Orphanet 614, MedGen C0751360, MONDO:0009715, OMIM 255700.

Allele frequency attached by ClinVar (database versions not stated): gnomAD 0.00001.
gnomAD v4.1: 1 of 1,613,652 alleles (0.000062%); highest among the groups gnomAD compares: Admixed American, 0.0017%; no homozygotes.

Submission:

Labcorp Genetics (formerly Invitae), Labcorp
Classification: Likely pathogenic for Congenital myotonia, autosomal recessive form; Congenital myotonia, autosomal dominant form. Last evaluated: 2025-10-03. Review status: criteria provided, single submitter. Criteria: Invitae Variant Classification Sherloc (09022015). Collection method: clinical testing. Allele origin: germline.
Comment: This sequence change affects a donor splice site in intron 15 of the CLCN1 gene. It is expected to disrupt RNA splicing. Variants that disrupt the donor or acceptor splice site typically lead to a loss of protein function (PMID: 16199547), and loss-of-function variants in CLCN1 are known to be pathogenic (PMID: 17932099, 22094069, 23739125). This variant is not present in population databases (gnomAD no frequency). This variant has not been reported in the literature in individuals affected with CLCN1-related conditions. ClinVar contains an entry for this variant (Variation ID: 2927588). Algorithms developed to predict the effect of sequence changes on RNA splicing suggest that this variant may disrupt the consensus splice site. In summary, the currently available evidence indicates that the variant is pathogenic, but additional data are needed to prove that conclusively. Therefore, this variant has been classified as Likely Pathogenic.

Literature cited by the submitters: PubMed 16199547; PubMed 17932099; PubMed 22094069; PubMed 23739125.